The following is an entry in ClinVar:

ClinVar aggregate classification (germline): Uncertain significance (1 of 4 stars; one submission).

Submission:

Ambry Genetics
Classification: Uncertain significance. Last evaluated: 2024-10-29. Review status: criteria provided, single submitter. Criteria: Ambry Variant Classification Scheme 2023. Collection method: clinical testing. Allele origin: germline.
Comment: The p.L890V variant (also known as c.2668T>G), located in coding exon 13 of the NPAT gene, results from a T to G substitution at nucleotide position 2668. The leucine at codon 890 is replaced by valine, an amino acid with highly similar properties. This amino acid position is conserved. In addition, this alteration is predicted to be tolerated by in silico analysis. Based on the available evidence, the clinical significance of this variant remains unclear.

NM_002519.3(NPAT):c.2668T>G (p.Leu890Val)

Gene: NPAT (nuclear protein, coactivator of histone transcription; minus strand). Cytogenetic location: 11q22.3.
Variant type: single nucleotide variant.
Coding change: c.2668T>G on transcript NM_002519.3 (MANE Select); coding-DNA position 2668, T replaced by G.
Protein change: p.Leu890Val; replaces leucine 890 with valine.
Molecular consequence: missense variant.
Genome position (GRCh38, 1-based): chr11:108,172,316, A>C on the plus strand (T>G on the coding strand, the complement: NPAT is on the minus strand). VCF-style: chr11-108172316-A-C. GRCh37 (hg19) VCF-style: chr11-108043043-A-C.
Other names: c.2668T>G, p.Leu890Val (NM_001321307.1); short protein forms L890V.
Identifiers: ClinVar variation 3407259 (VCV003407259.1).